The following is an entry in ClinVar:

ClinVar aggregate classification (germline): Benign/Likely benign. Review status: criteria provided, multiple submitters, no conflicts (2 of 4 stars). 2 submissions from 2 submitters: Benign (1); Likely benign (1). Last evaluated 2025-10-16.

Allele frequency attached by ClinVar (database versions not stated): ESP Exome Variant Server 0.00008; ExAC 0.00012; 1000 Genomes Project 0.00020; 1000 Genomes Project 30x 0.00031.
gnomAD v4.1: 129 of 1,614,094 alleles (0.008%); highest among the groups gnomAD compares: Non-Finnish European, 0.0099%; no homozygotes.

Submissions (2):

Labcorp Genetics (formerly Invitae), Labcorp
Classification: Benign. Last evaluated: 2025-10-16. Review status: criteria provided, single submitter. Criteria: Invitae Variant Classification Sherloc (09022015). Collection method: clinical testing. Allele origin: germline.

CeGaT Center for Human Genetics Tuebingen
Classification: Likely benign. Last evaluated: 2025-02-01. Review status: criteria provided, single submitter. Criteria: CeGaT Center For Human Genetics Tuebingen Variant Classification Criteria Version 2. Collection method: clinical testing. Allele origin: germline. Affected: yes. Observed: 2 variant alleles.
Comment: KAT6A: BP4, BP7

NM_006766.5(KAT6A):c.5406G>T (p.Gly1802=)

Gene: KAT6A (lysine acetyltransferase 6A; minus strand). Cytogenetic location: 8p11.21.
Variant type: single nucleotide variant.
Coding change: c.5406G>T on transcript NM_006766.5 (MANE Select); coding-DNA position 5406, G replaced by T.
Protein change: p.Gly1802=; no amino-acid change (glycine 1802 retained).
Molecular consequence: synonymous variant.
Genome position (GRCh38, 1-based): chr8:41,932,814, C>A on the plus strand (G>T on the coding strand, the complement: KAT6A is on the minus strand). VCF-style: chr8-41932814-C-A. GRCh37 (hg19) VCF-style: chr8-41790332-C-A.
Identifiers: ClinVar variation 2144402 (VCV002144402.28), dbSNP rs201149588, ClinGen allele CA4729311.